The following is an entry in ClinVar:

ClinVar aggregate classification (germline): Uncertain significance (1 of 4 stars; one submission).

Conditions:
Pitt-Hopkins syndrome (PTHS). Also called: ENCEPHALOPATHY, SEVERE EPILEPTIC, WITH AUTONOMIC DYSFUNCTION; MENTAL RETARDATION, SYNDROMAL, WITH INTERMITTENT HYPERVENTILATION. Identifiers: Orphanet 2896, MedGen C1970431, MONDO:0012589, OMIM 610954.

Submission:

Labcorp Genetics (formerly Invitae), Labcorp
Classification: Uncertain significance for Pitt-Hopkins syndrome. Last evaluated: 2023-11-21. Review status: criteria provided, single submitter. Criteria: Invitae Variant Classification Sherloc (09022015). Collection method: clinical testing. Allele origin: germline.
Comment: A copy number gain of the genomic region encompassing the full coding sequence of the TCF4 gene has been identified. The boundaries of this event are unknown as they extend beyond the assayed region for this gene and therefore may encompass additional genes. As the precise location of this event is unknown, it may be in tandem or it may be located elsewhere in the genome. This variant has not been reported in the literature in individuals affected with TCF4-related conditions. In summary, the available evidence is currently insufficient to determine the role of this variant in disease. Therefore, it has been classified as a Variant of Uncertain Significance.

NC_000018.9:g.(?_52895456)_(53254347_?)dup

Gene: TCF4 (transcription factor 4; minus strand). Cytogenetic location: 18q21.2.
Variant type: Duplication.
Identifiers: ClinVar variation 1373511 (VCV001373511.5).